The following is an entry in ClinVar:

NM_001308093.3(GATA4):c.512C>G (p.Ala171Gly)

Gene: GATA4 (GATA binding protein 4). Cytogenetic location: 8p23.1.
Variant type: single nucleotide variant.
Coding change: c.512C>G on transcript NM_001308093.3 (MANE Select); coding-DNA position 512, C replaced by G.
Protein change: p.Ala171Gly; replaces alanine 171 with glycine.
Molecular consequence: missense variant. On other transcripts: intron variant (3).
Genome position (GRCh38, 1-based): chr8:11,708,824, C>G. VCF-style: chr8-11708824-C-G. GRCh37 (hg19) VCF-style: chr8-11566333-C-G.
Other names: c.512C>G, p.Ala171Gly (NM_002052.5); c.-6+8046C>G (NM_001308094.2); c.-3+810C>G (NM_001374274.1); c.-3+4520C>G (NM_001374273.1); c.512C>G (NM_002052.3); short protein forms A171G.
Identifiers: ClinVar variation 1982864 (VCV001982864.7), dbSNP rs1424583100, ClinGen allele CA370309782.

ClinVar aggregate classification (germline): Uncertain significance. Review status: criteria provided, multiple submitters, no conflicts (2 of 4 stars). 2 submissions from 2 submitters: Uncertain significance (2). Last evaluated 2025-11-03.

Conditions:
Cardiovascular phenotype. Identifiers: MedGen CN230736.
Atrioventricular septal defect 4 (AVSD4). Identifiers: MedGen C3280781, MONDO:0013747, OMIM 614430.

Allele frequency attached by ClinVar (database versions not stated): gnomAD 0.00001; gnomAD exomes 0.00002.
gnomAD v4.1: 21 of 1,487,350 alleles (0.0014%); highest among the groups gnomAD compares: Non-Finnish European, 0.0019%; no homozygotes.

Submissions (2):

Ambry Genetics
Classification: Uncertain significance for Cardiovascular phenotype. Last evaluated: 2025-11-03. Review status: criteria provided, single submitter. Criteria: Ambry Variant Classification Scheme 2023. Collection method: clinical testing. Allele origin: germline.

Labcorp Genetics (formerly Invitae), Labcorp
Classification: Uncertain significance for Atrioventricular septal defect 4. Last evaluated: 2024-07-17. Review status: criteria provided, single submitter. Criteria: Invitae Variant Classification Sherloc (09022015). Collection method: clinical testing. Allele origin: germline.
Comment: This sequence change replaces alanine, which is neutral and non-polar, with glycine, which is neutral and non-polar, at codon 171 of the GATA4 protein (p.Ala171Gly). The frequency data for this variant in the population databases is considered unreliable, as metrics indicate poor data quality at this position in the gnomAD database. This variant has not been reported in the literature in individuals affected with GATA4-related conditions. ClinVar contains an entry for this variant (Variation ID: 1982864). Advanced modeling of protein sequence and biophysical properties (such as structural, functional, and spatial information, amino acid conservation, physicochemical variation, residue mobility, and thermodynamic stability) performed at Invitae indicates that this missense variant is not expected to disrupt GATA4 protein function with a negative predictive value of 80%. In summary, the available evidence is currently insufficient to determine the role of this variant in disease. Therefore, it has been classified as a Variant of Uncertain Significance.